The following is an entry in ClinVar:

NM_001394372.1(BICRA):c.4101G>A (p.Pro1367=)

Gene: BICRA (BRD4 interacting chromatin remodeling complex associated protein; plus strand). Cytogenetic location: 19q13.33.
Variant type: single nucleotide variant.
Coding change: c.4101G>A on transcript NM_001394372.1 (MANE Select); coding-DNA position 4101, G replaced by A.
Protein change: p.Pro1367=; no amino-acid change (proline 1367 retained).
Molecular consequence: synonymous variant.
Genome position (GRCh38, 1-based): chr19:47,701,833, G>A. VCF-style: chr19-47701833-G-A. GRCh37 (hg19) VCF-style: chr19-48205090-G-A.
Other names: c.4101G>A, p.Pro1367= (NM_015711.3).
Identifiers: ClinVar variation 4875190 (VCV004875190.2).

ClinVar aggregate classification (germline): Likely benign (1 of 4 stars; one submission).

gnomAD v4.1: 22 of 1,523,174 alleles (0.0014%); highest among the groups gnomAD compares: Admixed American, 0.016%; no homozygotes.

Submission:

CeGaT Center for Human Genetics Tuebingen
Classification: Likely benign. Last evaluated: 2026-06-01. Review status: criteria provided, single submitter. Criteria: CeGaT Center For Human Genetics Tuebingen Variant Classification Criteria Version 2. Collection method: clinical testing. Allele origin: germline. Affected: yes. Observed: 1 variant allele.
Comment: BICRA: BP4, BP7